The following is an entry in ClinVar:

ClinVar aggregate classification (germline): Uncertain significance (1 of 4 stars; one submission).

Conditions:
Catecholaminergic polymorphic ventricular tachycardia 1. Also called: VENTRICULAR TACHYCARDIA, CATECHOLAMINERGIC POLYMORPHIC, 1, WITH OR WITHOUT ATRIAL DYSFUNCTION AND/OR DILATED CARDIOMYOPATHY; VENTRICULAR TACHYCARDIA, STRESS-INDUCED POLYMORPHIC 1; RYR2-Related Catecholaminergic Polymorphic Ventricular Tachycardia. Identifiers: Orphanet 3286, MedGen C1631597, MONDO:0011484, OMIM 604772.

Submission:

Labcorp Genetics (formerly Invitae), Labcorp
Classification: Uncertain significance for Catecholaminergic polymorphic ventricular tachycardia 1. Last evaluated: 2023-02-16. Review status: criteria provided, single submitter. Criteria: Invitae Variant Classification Sherloc (09022015). Collection method: clinical testing. Allele origin: germline.
Comment: Advanced modeling of protein sequence and biophysical properties (such as structural, functional, and spatial information, amino acid conservation, physicochemical variation, residue mobility, and thermodynamic stability) performed at Invitae indicates that this missense variant is expected to disrupt RYR2 protein function. This sequence change replaces threonine, which is neutral and polar, with arginine, which is basic and polar, at codon 301 of the RYR2 protein (p.Thr301Arg). This variant is not present in population databases (gnomAD no frequency). This variant has not been reported in the literature in individuals affected with RYR2-related conditions. In summary, the available evidence is currently insufficient to determine the role of this variant in disease. Therefore, it has been classified as a Variant of Uncertain Significance.

NM_001035.3(RYR2):c.902C>G (p.Thr301Arg)

Gene: RYR2 (ryanodine receptor 2; plus strand). Cytogenetic location: 1q43.
Variant type: single nucleotide variant.
Coding change: c.902C>G on transcript NM_001035.3 (MANE Select); coding-DNA position 902, C replaced by G.
Protein change: p.Thr301Arg; replaces threonine 301 with arginine.
Molecular consequence: missense variant.
Genome position (GRCh38, 1-based): chr1:237,423,145, C>G. VCF-style: chr1-237423145-C-G. GRCh37 (hg19) VCF-style: chr1-237586445-C-G.
Other names: short protein forms T301R.
Identifiers: ClinVar variation 2838057 (VCV002838057.3), dbSNP rs2528090119, ClinGen allele CA345385290.
Genomic context (GRCh38, chr1:237,423,145, plus strand): 5'-TCATTAGGTGGAGTGGAAGCCACATAAGATGGGGACAGCCATTCCGACTACGCCATGTCA[C>G]AACAGGAAAATACTTGAGTCTCATGGAAGACAAAAACCTTCTACTCATGGACAAAGAGAA-3'
Protein context (NP_001026.2, residues 291-311): WGQPFRLRHV[Thr301Arg]TGKYLSLMED